The following is an entry in ClinVar:

ClinVar aggregate classification (germline): Uncertain significance (1 of 4 stars; one submission).

Conditions:
Brugada syndrome 4 (BRGDA4). Identifiers: Orphanet 130, MedGen C2678477, MONDO:0012743, OMIM 611876.

Submission:

Labcorp Genetics (formerly Invitae), Labcorp
Classification: Uncertain significance for Brugada syndrome 4. Last evaluated: 2021-10-05. Review status: criteria provided, single submitter. Criteria: Invitae Variant Classification Sherloc (09022015). Collection method: clinical testing. Allele origin: germline.
Comment: Algorithms developed to predict the effect of sequence changes on RNA splicing suggest that this variant may create or strengthen a splice site. Experimental studies and prediction algorithms are not available or were not evaluated, and the functional significance of this variant is currently unknown. In summary, the available evidence is currently insufficient to determine the role of this variant in disease. Therefore, it has been classified as a Variant of Uncertain Significance. This variant occurs in a non-coding region of the CACNB2 gene. It does not change the encoded amino acid sequence of the CACNB2 protein. This variant is not present in population databases (ExAC no frequency). This variant has not been reported in the literature in individuals affected with CACNB2-related conditions.

NM_201596.3(CACNB2):c.*9_*10insTTTTGTGTTTTTTTTTTTTTTTTTTTTGAAGTCTTGTATAACTAACAGCATCAGTTTTGCCC (p.Ter661=)

Gene: CACNB2 (calcium voltage-gated channel auxiliary subunit beta 2; plus strand). Cytogenetic location: 10p12.31.
Variant type: Insertion.
Coding change: c.*9_*10insTTTTGTGTTTTTTTTTTTTTTTTTTTTGAAGTCTTGTATAACTAACAGCATCAGTTTTGCCC on transcript NM_201596.3 (MANE Select); 9 bases downstream of the stop codon through 10 bases downstream of the stop codon, TTTTGTGTTTTTTTTTTTTTTTTTTTTGAAGTCTTGTATAACTAACAGCATCAGTTTTGCCC inserted.
Protein change: p.Ter661=.
Molecular consequence: no sequence alteration.
Genome position: GRCh38: chr10:18,539,733-18,539,734. GRCh37 (hg19): chr10:18,828,662-18,828,663.
Other names: c.*9_*10insTTTTGTGTTTTTTTTTTTTTTTTTTTTGAAGTCTTGTATAACTAACAGCATCAGTTTTGCCC, p.Ter606= (NM_000724.4); c.*9_*10insTTTTGTGTTTTTTTTTTTTTTTTTTTTGAAGTCTTGTATAACTAACAGCATCAGTTTTGCCC, p.Ter595= (NM_001167945.2); c.*9_*10insTTTTGTGTTTTTTTTTTTTTTTTTTTTGAAGTCTTGTATAACTAACAGCATCAGTTTTGCCC, p.Ter568= (NM_001330060.2); c.*9_*10insTTTTGTGTTTTTTTTTTTTTTTTTTTTGAAGTCTTGTATAACTAACAGCATCAGTTTTGCCC, p.Ter613= (NM_201570.3); c.*9_*10insTTTTGTGTTTTTTTTTTTTTTTTTTTTGAAGTCTTGTATAACTAACAGCATCAGTTTTGCCC, p.Ter633= (NM_201571.4); c.*9_*10insTTTTGTGTTTTTTTTTTTTTTTTTTTTGAAGTCTTGTATAACTAACAGCATCAGTTTTGCCC, p.Ter609= (NM_201572.4); c.*9_*10insTTTTGTGTTTTTTTTTTTTTTTTTTTTGAAGTCTTGTATAACTAACAGCATCAGTTTTGCCC, p.Ter607= (NM_201590.3); c.*9_*10insTTTTGTGTTTTTTTTTTTTTTTTTTTTGAAGTCTTGTATAACTAACAGCATCAGTTTTGCCC, p.Ter623= (NM_201593.3); and 1 more.
Identifiers: ClinVar variation 1522823 (VCV001522823.6), dbSNP rs2133338573, ClinGen allele CA2573145010.